The following is an entry in ClinVar:

NM_000051.4(ATM):c.1374C>A (p.Cys458Ter)

Gene: ATM (ATM serine/threonine kinase; plus strand). Cytogenetic location: 11q22.3.
Variant type: single nucleotide variant.
Coding change: c.1374C>A on transcript NM_000051.4 (MANE Select); coding-DNA position 1374, C replaced by A.
Protein change: p.Cys458Ter; replaces cysteine 458 with a stop codon.
Molecular consequence: nonsense.
Genome position (GRCh38, 1-based): chr11:108,250,839, C>A. VCF-style: chr11-108250839-C-A. GRCh37 (hg19) VCF-style: chr11-108121566-C-A.
Other names: c.1374C>A, p.Cys458Ter (NM_001351834.2); short protein forms C458*.
Identifiers: ClinVar variation 3148236 (VCV003148236.1), dbSNP rs2135320531, ClinGen allele CA382533841.

ClinVar aggregate classification (germline): Pathogenic (1 of 4 stars; one submission).

Conditions:
Familial cancer of breast. Also called: BREAST CANCER, FAMILIAL; Hereditary breast cancer; hereditary breast carcinoma. Identifiers: Orphanet 227535, MedGen C0346153, MONDO:0016419, OMIM 114480. Disease mechanism: loss of function.

Submission:

Myriad Genetics, Inc.
Classification: Pathogenic for Familial cancer of breast. Last evaluated: 2024-01-16. Review status: criteria provided, single submitter. Criteria: Myriad Autosomal Dominant, Autosomal Recessive and X-Linked Classification Criteria (2023). Collection method: clinical testing. Allele origin: unknown.
Comment: This variant is considered pathogenic. This variant creates a termination codon and is predicted to result in premature protein truncation.